The following is an entry in ClinVar:

NM_000051.4(ATM):c.900dup (p.Gly301fs)

Gene: ATM (ATM serine/threonine kinase; plus strand). Cytogenetic location: 11q22.3.
Variant type: Duplication.
Coding change: c.900dup on transcript NM_000051.4 (MANE Select); coding-DNA position 900, one base duplicated (A; older notation c.900dupA).
Protein change: p.Gly301fs; shifts the reading frame from glycine 301.
Molecular consequence: frameshift variant.
Genome position (GRCh38, 1-based): chr11:108,245,025, A duplicated; the last of 5 consecutive A bases (chr11:108,245,021-108,245,025); duplicating any one gives the same sequence. VCF-style (leftmost placement, unchanged base first): chr11-108245020-G-GA. GRCh37 (hg19) VCF-style: chr11-108115747-G-GA.
Other names: c.900dup, p.Gly301fs (NM_001351834.2); short protein forms G301fs.
Identifiers: ClinVar variation 1074412 (VCV001074412.8), dbSNP rs1555067335, ClinGen allele CA1998765378.
Genomic context (GRCh38, chr11:108,245,020, plus strand): 5'-ATTATTGAATTATTTCAACTGCAAATTTATATCCATCATCCGAAAGGAGCCAAAACCCAA[G>GA]AAAAAGGTATAAAGGAAATGTTTACTGTTTTGAATTTGCTTCTTCATTCAAACATAGAAG-3'

ClinVar aggregate classification (germline): Pathogenic. Review status: criteria provided, multiple submitters, no conflicts (2 of 4 stars). 2 submissions from 2 submitters: Pathogenic (2). Last evaluated 2024-01-11.

Conditions:
Ataxia-telangiectasia syndrome (AT). Also called: Cerebello-oculocutaneous telangiectasia; Immunodeficiency with ataxia telangiectasia; ATAXIA-TELANGIECTASIA, FRESNO VARIANT; Ataxia-telangiectasia, complementation group D; Ataxia telangiectasia (A-T); LOUIS-BAR SYNDROME. Identifiers: Orphanet 100, MedGen C0004135, MONDO:0008840, OMIM 208900.
Familial cancer of breast. Also called: BREAST CANCER, FAMILIAL; hereditary breast carcinoma; Hereditary breast cancer. Identifiers: Orphanet 227535, MedGen C0346153, MONDO:0016419, OMIM 114480. Disease mechanism: loss of function.

Submissions (2):

Myriad Genetics, Inc.
Classification: Pathogenic for Familial cancer of breast. Last evaluated: 2024-01-11. Review status: criteria provided, single submitter. Criteria: Myriad Autosomal Dominant, Autosomal Recessive and X-Linked Classification Criteria (2023). Collection method: clinical testing. Allele origin: unknown.
Comment: This variant is considered pathogenic. This variant creates a frameshift predicted to result in premature protein truncation.

Labcorp Genetics (formerly Invitae), Labcorp
Classification: Pathogenic for Ataxia-telangiectasia syndrome. Last evaluated: 2020-10-19. Review status: criteria provided, single submitter. Criteria: Invitae Variant Classification Sherloc (09022015). Collection method: clinical testing. Allele origin: germline.
Comment: This sequence change creates a premature translational stop signal (p.Gly301Argfs*4) in the ATM gene. It is expected to result in an absent or disrupted protein product. Loss-of-function variants in ATM are known to be pathogenic (PMID: 23807571, 25614872). This variant is not present in population databases (ExAC no frequency). For these reasons, this variant has been classified as Pathogenic. This variant has not been reported in the literature in individuals with ATM-related conditions.

Literature cited by the submitters: PubMed 23807571 (cited by Labcorp Genetics (formerly Invitae), Labcorp); PubMed 25614872 (cited by Labcorp Genetics (formerly Invitae), Labcorp).